The following is an entry in ClinVar:

NM_001267550.2(TTN):c.7957T>C (p.Leu2653=)

Gene: TTN (titin; minus strand). Cytogenetic location: 2q31.2.
Variant type: single nucleotide variant.
Coding change: c.7957T>C on transcript NM_001267550.2 (MANE Select); coding-DNA position 7957, T replaced by C.
Protein change: p.Leu2653=; no amino-acid change (leucine 2653 retained).
Molecular consequence: synonymous variant.
Genome position (GRCh38, 1-based): chr2:178,771,370, A>G on the plus strand (T>C on the coding strand, the complement: TTN is on the minus strand). VCF-style: chr2-178771370-A-G. GRCh37 (hg19) VCF-style: chr2-179636097-A-G.
Other names: c.7957T>C, p.Leu2653= (NM_001256850.1, NM_133378.4, NM_133379.5); c.7819T>C, p.Leu2607= (NM_003319.4, NM_133432.3, NM_133437.4).
Identifiers: ClinVar variation 264293 (VCV000264293.64), dbSNP rs201837864, ClinGen allele CA2004707.

ClinVar aggregate classification (germline): Conflicting classifications of pathogenicity. Review status: criteria provided, conflicting classifications (1 of 4 stars). 12 submissions from 12 submitters: Uncertain significance (1); Likely benign (8). 3 of the submissions do not count toward it. Last evaluated 2026-01-06.

Conditions:
TTN-related disorder. Also called: TTN-related disorders; TTN-related condition; TTN-related disease.
Cardiovascular phenotype. Identifiers: MedGen CN230736.
Autosomal recessive limb-girdle muscular dystrophy type 2J (LGMDR10). Also called: Limb-girdle muscular dystrophy, type 2J; MUSCULAR DYSTROPHY, LIMB-GIRDLE, AUTOSOMAL RECESSIVE 10. Identifiers: Orphanet 140922, MedGen C1837342, MONDO:0012127, OMIM 608807.
Dilated cardiomyopathy 1G (CMD1G). Identifiers: Orphanet 154, MedGen C1858763, MONDO:0011400, OMIM 604145.

Allele frequency attached by ClinVar (database versions not stated): gnomAD exomes 0.00012 and 0.00023; ExAC 0.00013; ESP Exome Variant Server 0.00015; gnomAD 0.00019 and 0.00021; TOPMed 0.00023.
gnomAD v4.1: 381 of 1,613,866 alleles (0.024%); highest among the groups gnomAD compares: Non-Finnish European, 0.029%; no homozygotes.

Submissions (12):

Labcorp Genetics (formerly Invitae), Labcorp
Classification: Likely benign for Dilated cardiomyopathy 1G; Autosomal recessive limb-girdle muscular dystrophy type 2J. Last evaluated: 2026-01-06. Review status: criteria provided, single submitter. Criteria: Invitae Variant Classification Sherloc (09022015). Collection method: clinical testing. Allele origin: germline.

ARUP Laboratories, Molecular Genetics and Genomics, ARUP Laboratories
Classification: Likely benign. Last evaluated: 2024-12-24. Review status: criteria provided, single submitter. Criteria: ARUP Molecular Germline Variant Investigation Process 2024. Collection method: clinical testing. Allele origin: germline.

Blueprint Genetics
Classification: Likely benign. Last evaluated: 2024-10-14. Review status: criteria provided, single submitter. Criteria: ACMG Guidelines, 2015. Collection method: clinical testing. Allele origin: germline.

Revvity Omics, Revvity
Classification: Likely benign. Last evaluated: 2023-08-25. Review status: criteria provided, single submitter. Criteria: ACMG Guidelines, 2015. Collection method: clinical testing. Allele origin: germline.

Women's Health and Genetics/Laboratory Corporation of America, LabCorp
Classification: Likely benign. Last evaluated: 2023-08-12. Review status: criteria provided, single submitter. Criteria: LabCorp Variant Classification Summary - May 2015. Collection method: clinical testing. Allele origin: germline.

CeGaT Center for Human Genetics Tuebingen
Classification: Likely benign. Last evaluated: 2022-10-01. Review status: criteria provided, single submitter. Criteria: CeGaT Center For Human Genetics Tuebingen Variant Classification Criteria Version 2. Collection method: clinical testing. Allele origin: germline. Affected: yes. Observed: 1 variant allele.
Comment: TTN: BP4, BP7

GeneDx
Classification: Likely benign. Last evaluated: 2019-07-12. Review status: criteria provided, single submitter. Criteria: GeneDx Variant Classification Process June 2021. Collection method: clinical testing. Allele origin: germline. Affected: yes.

Eurofins Ntd Llc (ga)
Classification: Uncertain significance. Last evaluated: 2017-02-03. Review status: criteria provided, single submitter. Criteria: EGL Classification Definitions 2015. Collection method: clinical testing. Allele origin: germline. Observed: 2 variant alleles, 2 heterozygotes.

Ambry Genetics
Classification: Likely benign for Cardiovascular phenotype. Last evaluated: 2015-08-25. Review status: criteria provided, single submitter. Criteria: Ambry Variant Classification Scheme 2023. Collection method: clinical testing. Allele origin: germline.

PreventionGenetics, part of Exact Sciences
Classification: Likely benign for TTN-related condition. Last evaluated: 2019-04-29. Review status: no assertion criteria provided. Collection method: clinical testing. Allele origin: germline. Not counted in ClinVar's aggregate classification.
Comment: This variant is classified as likely benign based on ACMG/AMP sequence variant interpretation guidelines (Richards et al. 2015 PMID: 25741868, with internal and published modifications).

Clinical Genetics, Academic Medical Center
Classification: Benign. Review status: no assertion criteria provided. Collection method: clinical testing. Allele origin: germline. Affected: yes. Study: VKGL Data-share Consensus. Not counted in ClinVar's aggregate classification.

Diagnostic Laboratory, Department of Genetics, University Medical Center Groningen
Classification: Likely benign. Review status: no assertion criteria provided. Collection method: clinical testing. Allele origin: germline. Affected: yes. Study: VKGL Data-share Consensus. Not counted in ClinVar's aggregate classification.